The following is an entry in ClinVar:

NM_000535.7(PMS2):c.2365A>T (p.Met789Leu)

Gene: PMS2 (PMS1 homolog 2, mismatch repair system component; minus strand). Cytogenetic location: 7p22.1.
Variant type: single nucleotide variant.
Coding change: c.2365A>T on transcript NM_000535.7 (MANE Select); coding-DNA position 2365, A replaced by T.
Protein change: p.Met789Leu; replaces methionine 789 with leucine.
Molecular consequence: missense variant. On other transcripts: non-coding transcript variant (1).
Genome position (GRCh38, 1-based): chr7:5,977,668, T>A on the plus strand (A>T on the coding strand, the complement: PMS2 is on the minus strand). VCF-style: chr7-5977668-T-A. GRCh37 (hg19) VCF-style: chr7-6017299-T-A.
Other names: c.1960A>T, p.Met654Leu (NM_001322003.2, NM_001322004.2, NM_001322005.2); c.2209A>T, p.Met737Leu (NM_001322006.2); c.2047A>T, p.Met683Leu (NM_001322007.2, NM_001322008.2); c.1993A>T, p.Met665Leu (NM_001322009.2); c.1804A>T, p.Met602Leu (NM_001322010.2); c.1432A>T, p.Met478Leu (NM_001322011.2, NM_001322012.2); c.1792A>T, p.Met598Leu (NM_001322013.2); c.2398A>T, p.Met800Leu (NM_001322014.2); and 1 more; short protein forms M478L, M598L, M686L, M800L, M665L, M602L, M654L, M683L.
Identifiers: ClinVar variation 821158 (VCV000821158.17), dbSNP rs377259633, ClinGen allele CA047884.

ClinVar aggregate classification (germline): Conflicting classifications of pathogenicity. Review status: criteria provided, conflicting classifications (1 of 4 stars). 5 submissions from 5 submitters: Uncertain significance (4); Likely benign (1). Last evaluated 2025-07-18.

Conditions:
Hereditary cancer-predisposing syndrome. Also called: Neoplastic Syndromes, Hereditary; Tumor predisposition; Hereditary Cancer Syndrome; Hereditary neoplastic syndrome. Identifiers: Orphanet 140162, MedGen C0027672, MeSH D009386, MONDO:0015356.
Hereditary nonpolyposis colorectal neoplasms. Identifiers: MedGen C0009405, MeSH D003123.
Lynch syndrome 4 (LYNCH4). Also called: Colorectal cancer, hereditary nonpolyposis, type 4; Hereditary non-polyposis colorectal cancer, type 4. Identifiers: Orphanet 144, MedGen C1838333, MONDO:0013699, OMIM 614337. Disease mechanism: loss of function.

Allele frequency attached by ClinVar (database versions not stated): gnomAD exomes below 0.00001; ExAC 0.00001; gnomAD 0.00001; TOPMed 0.00001; ESP Exome Variant Server 0.00008.

Submissions (5):

Labcorp Genetics (formerly Invitae), Labcorp
Classification: Uncertain significance for Hereditary nonpolyposis colorectal neoplasms. Last evaluated: 2025-07-18. Review status: criteria provided, single submitter. Criteria: Invitae Variant Classification Sherloc (09022015). Collection method: clinical testing. Allele origin: germline.
Comment: This sequence change replaces methionine, which is neutral and non-polar, with leucine, which is neutral and non-polar, at codon 789 of the PMS2 protein (p.Met789Leu). The frequency data for this variant in the population databases (gnomAD) is considered unreliable due to the presence of homologous sequence, such as pseudogenes or paralogs, in the genome. This variant has not been reported in the literature in individuals affected with PMS2-related conditions. ClinVar contains an entry for this variant (Variation ID: 821158). Invitae Evidence Modeling incorporating data from in vitro experimental studies (internal data) indicates that this missense variant is not expected to disrupt PMS2 function with a negative predictive value of 95%. In summary, the available evidence is currently insufficient to determine the role of this variant in disease. Therefore, it has been classified as a Variant of Uncertain Significance.

Baylor Genetics
Classification: Uncertain significance for Lynch syndrome 4. Last evaluated: 2024-03-28. Review status: criteria provided, single submitter. Criteria: ACMG Guidelines, 2015. Collection method: clinical testing. Allele origin: unknown.

Color Diagnostics, LLC DBA Color Health
Classification: Uncertain significance for Hereditary cancer-predisposing syndrome. Last evaluated: 2024-03-06. Review status: criteria provided, single submitter. Criteria: ACMG Guidelines, 2015. Collection method: clinical testing. Allele origin: germline.
Comment: This missense variant replaces methionine with leucine at codon 789 of the PMS2 protein. Computational prediction suggests that this variant may not impact protein structure and function (internally defined REVEL score threshold <= 0.5, PMID: 27666373). To our knowledge, functional studies have not been reported for this variant. This variant has not been reported in individuals affected with PMS2-related disorders in the literature. This variant has been identified in 1/249950 chromosomes in the general population by the Genome Aggregation Database (gnomAD). The available evidence is insufficient to determine the role of this variant in disease conclusively. Therefore, this variant is classified as a Variant of Uncertain Significance.

Women's Health and Genetics/Laboratory Corporation of America, LabCorp
Classification: Uncertain significance. Last evaluated: 2023-11-20. Review status: criteria provided, single submitter. Criteria: LabCorp Variant Classification Summary - May 2015. Collection method: clinical testing. Allele origin: germline.

Ambry Genetics
Classification: Likely benign for Hereditary cancer-predisposing syndrome. Last evaluated: 2018-07-13. Review status: criteria provided, single submitter. Criteria: Ambry Variant Classification Scheme 2023. Collection method: clinical testing. Allele origin: germline.